The following is an entry in ClinVar:

ClinVar aggregate classification (germline): Benign/Likely benign. Review status: criteria provided, multiple submitters, no conflicts (2 of 4 stars). 3 submissions from 3 submitters: Benign (1); Likely benign (2). Last evaluated 2026-01-05.

Conditions:
Chuvash polycythemia. Also called: POLYCYTHEMIA, VHL-DEPENDENT. Identifiers: Orphanet 238557, MedGen C1837915, MONDO:0009892, OMIM 263400.
Von Hippel-Lindau syndrome (VHLS). Also called: Von Hippel-Lindau; von Hippel–Lindau syndrome; VHL syndrome. Identifiers: Orphanet 892, MedGen C0019562, MONDO:0008667, OMIM 193300. Disease mechanism: loss of function.
Hereditary cancer-predisposing syndrome. Also called: Tumor predisposition; Neoplastic Syndromes, Hereditary; Hereditary Cancer Syndrome; Hereditary neoplastic syndrome. Identifiers: Orphanet 140162, MedGen C0027672, MeSH D009386, MONDO:0015356.

gnomAD v4.1: 6 of 1,589,920 alleles (0.00038%); highest among the groups gnomAD compares: Non-Finnish European, 0.00051%; no homozygotes.

Submissions (3):

Labcorp Genetics (formerly Invitae), Labcorp
Classification: Likely benign for Von Hippel-Lindau syndrome; Chuvash polycythemia. Last evaluated: 2026-01-05. Review status: criteria provided, single submitter. Criteria: Invitae Variant Classification Sherloc (09022015). Collection method: clinical testing. Allele origin: germline.

Myriad Genetics, Inc.
Classification: Benign for Von Hippel-Lindau syndrome. Last evaluated: 2025-06-10. Review status: criteria provided, single submitter. Criteria: Myriad Autosomal Dominant, Autosomal Recessive and X-Linked Classification Criteria (2023). Collection method: clinical testing. Allele origin: unknown.
Comment: This variant is considered benign. This variant is a silent/synonymous amino acid change and it is not expected to impact splicing.

Ambry Genetics
Classification: Likely benign for Hereditary cancer-predisposing syndrome. Last evaluated: 2022-04-12. Review status: criteria provided, single submitter. Criteria: Ambry Variant Classification Scheme 2023. Collection method: clinical testing. Allele origin: germline.

NM_000551.4(VHL):c.168C>T (p.Ala56=)

Gene: VHL (von Hippel-Lindau tumor suppressor; plus strand). Cytogenetic location: 3p25.3.
Variant type: single nucleotide variant.
Coding change: c.168C>T on transcript NM_000551.4 (MANE Select); coding-DNA position 168, C replaced by T.
Protein change: p.Ala56=; no amino-acid change (alanine 56 retained).
Molecular consequence: synonymous variant.
Genome position (GRCh38, 1-based): chr3:10,142,015, C>T. VCF-style: chr3-10142015-C-T. GRCh37 (hg19) VCF-style: chr3-10183699-C-T.
Other names: c.168C>T, p.Ala56= (NM_001354723.2, NM_198156.3).
Identifiers: ClinVar variation 416989 (VCV000416989.14), dbSNP rs864622714, ClinGen allele CA16611168.
Genomic context (GRCh38, chr3:10,142,015, plus strand): 5'-GGAGTCCGGCCCGGAAGAGTCCGGCCCGGAGGAACTGGGCGCCGAGGAGGAGATGGAGGC[C>T]GGGCGGCCGCGGCCCGTGCTGCGCTCGGTGAACTCGCGCGAGCCCTCCCAGGTCATCTTC-3'
Protein context (NP_000542.1, residues 46-66): EELGAEEEME[Ala56=]GRPRPVLRSV